The following is an entry in ClinVar:

NM_004260.4(RECQL4):c.1420G>A (p.Glu474Lys)

Gene: RECQL4 (RecQ like helicase 4; minus strand). Cytogenetic location: 8q24.3.
Variant type: single nucleotide variant.
Coding change: c.1420G>A on transcript NM_004260.4 (MANE Select); coding-DNA position 1420, G replaced by A.
Protein change: p.Glu474Lys; replaces glutamic acid 474 with lysine.
Molecular consequence: missense variant.
Genome position (GRCh38, 1-based): chr8:144,515,213, C>T on the plus strand (G>A on the coding strand, the complement: RECQL4 is on the minus strand). VCF-style: chr8-144515213-C-T. GRCh37 (hg19) VCF-style: chr8-145740597-C-T.
Other names: short protein forms E474K.
Identifiers: ClinVar variation 1058657 (VCV001058657.5), dbSNP rs2130706215, ClinGen allele CA372684939.
Genomic context (GRCh38, chr8:144,515,213, plus strand): 5'-ACAGGATCCGCATGACTGCACGCTCCTGCCCAGGGCGAAAGGCTTGGTGCCCCAGCTGCT[C>T]CAGGGCCTGGAACACCTCAGCCGGCGTCTCTGCAGACACAGATGTTGATCACCATGACTT-3'
Protein context (NP_004251.4, residues 464-484): ETPAEVFQAL[Glu474Lys]QLGHQAFRPG

ClinVar aggregate classification (germline): Uncertain significance (1 of 4 stars; one submission).

Conditions:
Baller-Gerold syndrome (BGS). Also called: CRANIOSYNOSTOSIS WITH RADIAL DEFECTS. Identifiers: Orphanet 1225, MedGen C0265308, MONDO:0009039, OMIM 218600.

gnomAD v4.1: 1 of 1,576,524 alleles (0.000063%); highest among the groups gnomAD compares: Non-Finnish European, 0.000086%; no homozygotes.

Submission:

Labcorp Genetics (formerly Invitae), Labcorp
Classification: Uncertain significance for Baller-Gerold syndrome. Last evaluated: 2020-10-07. Review status: criteria provided, single submitter. Criteria: Invitae Variant Classification Sherloc (09022015). Collection method: clinical testing. Allele origin: germline.
Comment: Experimental studies and prediction algorithms are not available or were not evaluated, and the functional significance of this variant is currently unknown. This sequence change replaces glutamic acid with lysine at codon 474 of the RECQL4 protein (p.Glu474Lys). The glutamic acid residue is moderately conserved and there is a small physicochemical difference between glutamic acid and lysine. This variant is not present in population databases (ExAC no frequency). This variant has not been reported in the literature in individuals with RECQL4-related conditions. In summary, the available evidence is currently insufficient to determine the role of this variant in disease. Therefore, it has been classified as a Variant of Uncertain Significance.